The following is an entry in ClinVar:

NM_194248.3(OTOF):c.2243T>C (p.Met748Thr)

Genes: OTOF (otoferlin; minus strand), LOC129933334 (ATAC-STARR-seq lymphoblastoid active region 15473; plus strand). Cytogenetic location: 2p23.3.
Variant type: single nucleotide variant.
Coding change: c.2243T>C on transcript NM_194248.3 (MANE Select); coding-DNA position 2243, T replaced by C.
Protein change: p.Met748Thr; replaces methionine 748 with threonine.
Molecular consequence: missense variant. On other transcripts: initiator codon variant (2).
Genome position (GRCh38, 1-based): chr2:26,477,721, A>G on the plus strand (T>C on the coding strand, the complement: OTOF is on the minus strand). VCF-style: chr2-26477721-A-G. GRCh37 (hg19) VCF-style: chr2-26700589-A-G.
Other names: c.2243T>C, p.Met748Thr (NM_001287489.2); c.2T>C, p.Met1Thr (NM_004802.4, NM_194323.3); c.173T>C, p.Met58Thr (NM_194322.3); short protein forms M1T, M58T, M748T.
Identifiers: ClinVar variation 2165602 (VCV002165602.7), dbSNP rs567005448, ClinGen allele CA1563997.

ClinVar aggregate classification (germline): Conflicting classifications of pathogenicity. Review status: criteria provided, conflicting classifications (1 of 4 stars). 3 submissions from 3 submitters: Uncertain significance (2); Likely benign (1). Last evaluated 2025-04-08.

Allele frequency attached by ClinVar (database versions not stated): TOPMed below 0.00001; gnomAD 0.00002; gnomAD exomes 0.00005; ExAC 0.00013; 1000 Genomes Project 30x 0.00016; 1000 Genomes Project 0.00020.
gnomAD v4.1: 76 of 1,612,590 alleles (0.0047%); highest among the groups gnomAD compares: South Asian, 0.081%; 2 homozygotes.

Submissions (3):

GeneDx
Classification: Uncertain significance. Last evaluated: 2025-04-08. Review status: criteria provided, single submitter. Criteria: GeneDx Variant Classification Process June 2021. Collection method: clinical testing. Allele origin: germline. Affected: yes.
Comment: In silico analysis supports that this missense variant has a deleterious effect on protein structure/function; Has not been previously published as pathogenic or benign to our knowledge

Blueprint Genetics
Classification: Uncertain significance. Last evaluated: 2024-06-17. Review status: criteria provided, single submitter. Criteria: ACMG Guidelines, 2015. Collection method: clinical testing. Allele origin: germline.

Labcorp Genetics (formerly Invitae), Labcorp
Classification: Likely benign. Last evaluated: 2024-01-31. Review status: criteria provided, single submitter. Criteria: Invitae Variant Classification Sherloc (09022015). Collection method: clinical testing. Allele origin: germline.